The following is an entry in ClinVar:

ClinVar aggregate classification (germline): Uncertain significance (1 of 4 stars; one submission).

Conditions:
Progressive familial heart block type IB (PFHB1B). Identifiers: Orphanet 871, MedGen C1970298, MONDO:0011474, OMIM 604559.

Submission:

Labcorp Genetics (formerly Invitae), Labcorp
Classification: Uncertain significance for Progressive familial heart block type IB. Last evaluated: 2022-04-07. Review status: criteria provided, single submitter. Criteria: Invitae Variant Classification Sherloc (09022015). Collection method: clinical testing. Allele origin: germline.
Comment: Algorithms developed to predict the effect of missense changes on protein structure and function are either unavailable or do not agree on the potential impact of this missense change (SIFT: "Not Available"; PolyPhen-2: "Probably Damaging"; Align-GVGD: "Not Available"). In summary, the available evidence is currently insufficient to determine the role of this variant in disease. Therefore, it has been classified as a Variant of Uncertain Significance. This variant has not been reported in the literature in individuals affected with TRPM4-related conditions. Information on the frequency of this variant in the gnomAD database is not available, as this variant may be reported differently in the database. This sequence change replaces arginine, which is basic and polar, with proline, which is neutral and non-polar, at codon 969 of the TRPM4 protein (p.Arg969Pro).

NM_017636.4(TRPM4):c.2906_2907delinsCC (p.Arg969Pro)

Gene: TRPM4 (transient receptor potential cation channel subfamily M member 4; plus strand). Cytogenetic location: 19q13.33.
Variant type: Indel.
Coding change: c.2906_2907delinsCC on transcript NM_017636.4 (MANE Select); coding-DNA positions 2906 to 2907, GT replaced by CC.
Protein change: p.Arg969Pro; replaces arginine 969 with proline.
Molecular consequence: missense variant.
Genome position (GRCh38, 1-based): chr19:49,200,738-49,200,739, GT replaced by CC. VCF-style: chr19-49200738-GT-CC. GRCh37 (hg19) VCF-style: chr19-49703995-GT-CC.
Other names: c.2471_2472delinsCC, p.Arg824Pro (NM_001195227.2); c.2561_2562delinsCC, p.Arg854Pro (NM_001321281.2); c.1298_1299delinsCC, p.Arg433Pro (NM_001321282.2); c.2384_2385delinsCC, p.Arg795Pro (NM_001321283.2); c.1844_1845delinsCC, p.Arg615Pro (NM_001321285.2); short protein forms R824P, R615P, R969P, R433P, R795P, R854P.
Identifiers: ClinVar variation 2041915 (VCV002041915.4), dbSNP rs2514204381, ClinGen allele CA2580097555.